The following is an entry in ClinVar:

ClinVar aggregate classification (germline): Likely pathogenic (1 of 4 stars; one submission).

Submission:

GeneDx
Classification: Likely pathogenic. Last evaluated: 2018-05-14. Review status: criteria provided, single submitter. Criteria: GeneDx Variant Classification (06012015). Collection method: clinical testing. Allele origin: germline. Affected: yes.
Comment: A variant that is likely pathogenic has been identified in the DYRK1A gene. The Y680X variant has not been published as a pathogenic variant, nor has it been reported as a benign variant to our knowledge. This nonsense variant is predicted to cause loss of normal protein function through protein truncation, as the last 84 amino acids of the DYRK1A protein are lost. The Y680X variant is not observed in large population cohorts (Lek et al., 2016). Therefore, this variant is likely pathogenic; however, the possibility that it is benign cannot be excluded.

NM_001347721.2(DYRK1A):c.2013C>A (p.Tyr671Ter)

Gene: DYRK1A (dual specificity tyrosine phosphorylation regulated kinase 1A; plus strand). Cytogenetic location: 21q22.13.
Variant type: single nucleotide variant.
Coding change: c.2013C>A on transcript NM_001347721.2 (MANE Select); coding-DNA position 2013, C replaced by A.
Protein change: p.Tyr671Ter; replaces tyrosine 671 with a stop codon.
Molecular consequence: nonsense. On other transcripts: 3 prime UTR variant (2).
Genome position (GRCh38, 1-based): chr21:37,512,279, C>A. VCF-style: chr21-37512279-C-A. GRCh37 (hg19) VCF-style: chr21-38884582-C-A.
Other names: c.2013C>A, p.Tyr671Ter (NM_001347722.2, NM_130436.2); c.1926C>A, p.Tyr642Ter (NM_001347723.2); c.2040C>A, p.Tyr680Ter (NM_001396.5); c.*416C>A (NM_101395.2); c.*325C>A (NM_130438.2); short protein forms Y680*, Y642*, Y671*.
Identifiers: ClinVar variation 546039 (VCV000546039.2), dbSNP rs1555995130, ClinGen allele CA409940236.
Genomic context (GRCh38, chr21:37,512,279, plus strand): 5'-CTCAACGACTTCTTCCTCGACATCTTCCTCCTCTACTGGTAACCAAGGCAATCAGGCCTA[C>A]CAGAATCGCCCAGTGGCTGCTAATACCTTGGACTTTGGACAGAATGGAGCTATGGACGTT-3'